The following is an entry in ClinVar:

NM_000553.6(WRN):c.2086A>G (p.Met696Val)

Gene: WRN (WRN RecQ like helicase; plus strand). Cytogenetic location: 8p12.
Variant type: single nucleotide variant.
Coding change: c.2086A>G on transcript NM_000553.6 (MANE Select); coding-DNA position 2086, A replaced by G.
Protein change: p.Met696Val; replaces methionine 696 with valine.
Molecular consequence: missense variant.
Genome position (GRCh38, 1-based): chr8:31,100,953, A>G. VCF-style: chr8-31100953-A-G. GRCh37 (hg19) VCF-style: chr8-30958469-A-G.
Other names: short protein forms M696V.
Identifiers: ClinVar variation 573029 (VCV000573029.3), dbSNP rs756149876, ClinGen allele CA4704613.

ClinVar aggregate classification (germline): Uncertain significance (1 of 4 stars; one submission).

Conditions:
Werner syndrome (WRN). Identifiers: Orphanet 902, MedGen C0043119, MONDO:0010196, OMIM 277700.

Allele frequency attached by ClinVar (database versions not stated): gnomAD exomes below 0.00001; TOPMed below 0.00001; ExAC 0.00001; gnomAD 0.00001.
gnomAD v4.1: 7 of 1,613,402 alleles (0.00043%); highest among the groups gnomAD compares: Non-Finnish European, 0.00051%; no homozygotes.

Submission:

Labcorp Genetics (formerly Invitae), Labcorp
Classification: Uncertain significance for Werner syndrome. Last evaluated: 2025-08-28. Review status: criteria provided, single submitter. Criteria: Invitae Variant Classification Sherloc (09022015). Collection method: clinical testing. Allele origin: germline.
Comment: This sequence change replaces methionine, which is neutral and non-polar, with valine, which is neutral and non-polar, at codon 696 of the WRN protein (p.Met696Val). This variant is present in population databases (rs756149876, gnomAD 0.004%). This variant has not been reported in the literature in individuals affected with WRN-related conditions. ClinVar contains an entry for this variant (Variation ID: 573029). An algorithm developed to predict the effect of missense changes on protein structure and function (PolyPhen-2) suggests that this variant is likely to be tolerated. In summary, the available evidence is currently insufficient to determine the role of this variant in disease. Therefore, it has been classified as a Variant of Uncertain Significance.